The following is an entry in ClinVar:

NM_001037333.3(CYFIP2):c.3214G>A (p.Ala1072Thr)

Genes: CYFIP2 (cytoplasmic FMR1 interacting protein 2; plus strand), NIPAL4-DT (NIPAL4 divergent transcript; minus strand). Cytogenetic location: 5q33.3.
Variant type: single nucleotide variant.
Coding change: c.3214G>A on transcript NM_001037333.3 (MANE Select); coding-DNA position 3214, G replaced by A.
Protein change: p.Ala1072Thr; replaces alanine 1072 with threonine.
Molecular consequence: missense variant.
Genome position (GRCh38, 1-based): chr5:157,389,195, G>A. VCF-style: chr5-157389195-G-A. GRCh37 (hg19) VCF-style: chr5-156816203-G-A.
Other names: c.3136G>A, p.Ala1046Thr (NM_001291721.2); c.3289G>A, p.Ala1097Thr (NM_001291722.2); c.3214G>A, p.Ala1072Thr (NM_014376.4); short protein forms A1072T, A1046T, A1097T.
Identifiers: ClinVar variation 2787983 (VCV002787983.3), dbSNP rs763134967, ClinGen allele CA3534318.

ClinVar aggregate classification (germline): Uncertain significance (1 of 4 stars; one submission).

Allele frequency attached by ClinVar (database versions not stated): gnomAD exomes below 0.00001; ExAC 0.00001; gnomAD 0.00001.
gnomAD v4.1: 6 of 1,608,076 alleles (0.00037%); highest among the groups gnomAD compares: Middle Eastern, 0.017%; no homozygotes.

Submission:

Labcorp Genetics (formerly Invitae), Labcorp
Classification: Uncertain significance. Last evaluated: 2023-04-06. Review status: criteria provided, single submitter. Criteria: Invitae Variant Classification Sherloc (09022015). Collection method: clinical testing. Allele origin: germline.
Comment: This variant has not been reported in the literature in individuals affected with CYFIP2-related conditions. In summary, the available evidence is currently insufficient to determine the role of this variant in disease. Therefore, it has been classified as a Variant of Uncertain Significance. Experimental studies and prediction algorithms are not available or were not evaluated, and the functional significance of this variant is currently unknown. This variant is present in population databases (rs763134967, gnomAD 0.006%). This sequence change replaces alanine, which is neutral and non-polar, with threonine, which is neutral and polar, at codon 1072 of the CYFIP2 protein (p.Ala1072Thr).